The following is an entry in ClinVar:

ClinVar aggregate classification (germline): Uncertain significance. Review status: criteria provided, multiple submitters, no conflicts (2 of 4 stars). 2 submissions from 2 submitters: Uncertain significance (2). Last evaluated 2025-05-10.

Submissions (2):

Ambry Genetics
Classification: Uncertain significance. Last evaluated: 2025-05-10. Review status: criteria provided, single submitter. Criteria: Ambry Variant Classification Scheme 2023. Collection method: clinical testing. Allele origin: germline.
Comment: The p.G79D variant (also known as c.236G>A), located in coding exon 1 of the GALNT12 gene, results from a G to A substitution at nucleotide position 236. The glycine at codon 79 is replaced by aspartic acid, an amino acid with similar properties. This amino acid position is conserved. In addition, the in silico prediction for this alteration is inconclusive. Based on the available evidence, the clinical significance of this variant remains unclear.

Labcorp Genetics (formerly Invitae), Labcorp
Classification: Uncertain significance. Last evaluated: 2022-08-23. Review status: criteria provided, single submitter. Criteria: Invitae Variant Classification Sherloc (09022015). Collection method: clinical testing. Allele origin: germline.
Comment: ClinVar contains an entry for this variant (Variation ID: 1516416). Algorithms developed to predict the effect of missense changes on protein structure and function are either unavailable or do not agree on the potential impact of this missense change (SIFT: "Deleterious"; PolyPhen-2: "Probably Damaging"; Align-GVGD: "Class C0"). This variant has not been reported in the literature in individuals affected with GALNT12-related conditions. This variant is not present in population databases (gnomAD no frequency). This sequence change replaces glycine, which is neutral and non-polar, with aspartic acid, which is acidic and polar, at codon 79 of the GALNT12 protein (p.Gly79Asp). In summary, the available evidence is currently insufficient to determine the role of this variant in disease. Therefore, it has been classified as a Variant of Uncertain Significance.

NM_024642.5(GALNT12):c.236G>A (p.Gly79Asp)

Gene: GALNT12 (polypeptide N-acetylgalactosaminyltransferase 12; plus strand). Cytogenetic location: 9q22.33.
Variant type: single nucleotide variant.
Coding change: c.236G>A on transcript NM_024642.5 (MANE Select); coding-DNA position 236, G replaced by A.
Protein change: p.Gly79Asp; replaces glycine 79 with aspartic acid.
Molecular consequence: missense variant.
Genome position (GRCh38, 1-based): chr9:98,807,934, G>A. VCF-style: chr9-98807934-G-A. GRCh37 (hg19) VCF-style: chr9-101570216-G-A.
Other names: c.236G>A (NM_024642.4); short protein forms G79D.
Identifiers: ClinVar variation 1516416 (VCV001516416.9), dbSNP rs1564243842, ClinGen allele CA374222579.
Genomic context (GRCh38, chr9:98,807,934, plus strand): 5'-GGCGGCGCGAGCCGGTCATGCCGCGGCCGCCGGTGCCGGCGAACGCGCTGGGCGCGCGGG[G>A]CGAGGCGGTGCGGCTGCAGCTGCAGGGCGAGGAGCTGCGGCTGCAGGAGGAGAGCGTGCG-3'
Protein context (NP_078918.3, residues 69-89): PVPANALGAR[Gly79Asp]EAVRLQLQGE